The following is an entry in ClinVar:

ClinVar aggregate classification (germline): Pathogenic (1 of 4 stars; one submission).

Conditions:
Hereditary cancer-predisposing syndrome. Also called: Neoplastic Syndromes, Hereditary; Tumor predisposition; Hereditary Cancer Syndrome; Hereditary neoplastic syndrome. Identifiers: Orphanet 140162, MedGen C0027672, MeSH D009386, MONDO:0015356.

Allele frequency attached by ClinVar (database versions not stated): gnomAD exomes below 0.00001.

Submission:

Ambry Genetics
Classification: Pathogenic for Hereditary cancer-predisposing syndrome. Last evaluated: 2015-06-04. Review status: criteria provided, single submitter. Criteria: Ambry Variant Classification Scheme 2023. Collection method: clinical testing. Allele origin: germline.
Comment: The p.Q141* pathogenic mutation (also known as c.421C>T) located in coding exon 5 of the MUTYH gene, results from a C to T substitution at nucleotide position 421. This changes the amino acid from a glutamine to a stop codon within coding exon 5. Since premature stop codons are typically deleterious in nature, this alteration is interpreted as a disease-causing mutation (ACMG Recommendations for Standards for Interpretation and Reporting of Sequence Variations. Revision 2007. Genet Med. 2008;10:294).

NM_001048174.2(MUTYH):c.337C>T (p.Gln113Ter)

Gene: MUTYH (mutY DNA glycosylase; minus strand). Cytogenetic location: 1p34.1.
Variant type: single nucleotide variant.
Coding change: c.337C>T on transcript NM_001048174.2 (MANE Select); coding-DNA position 337, C replaced by T.
Protein change: p.Gln113Ter; replaces glutamine 113 with a stop codon.
Molecular consequence: nonsense. On other transcripts: non-coding transcript variant (1), intron variant (2).
Genome position (GRCh38, 1-based): chr1:45,333,138, G>A on the plus strand (C>T on the coding strand, the complement: MUTYH is on the minus strand). VCF-style: chr1-45333138-G-A. GRCh37 (hg19) VCF-style: chr1-45798810-G-A.
Other names: c.337C>T, p.Gln113Ter (NM_001048171.2, NM_001048173.2, NM_001293195.2); c.340C>T, p.Gln114Ter (NM_001048172.2); c.421C>T, p.Gln141Ter (NM_001128425.2); c.382C>T, p.Gln128Ter (NM_001293190.2); c.370C>T, p.Gln124Ter (NM_001293191.2); c.61C>T, p.Gln21Ter (NM_001293192.2, NM_001293196.2); c.412C>T, p.Gln138Ter (NM_012222.3); c.33+147C>T (NM_001350651.2, NM_001350650.2); short protein forms Q141*, Q113*, Q114*, Q124*, Q128*, Q21*, Q138*.
Identifiers: ClinVar variation 232217 (VCV000232217.5), dbSNP rs876659625, ClinGen allele CA10577738.